The following is an entry in ClinVar:

ClinVar aggregate classification (germline): Uncertain significance (1 of 4 stars; one submission).

Submission:

GeneDx
Classification: Uncertain significance. Last evaluated: 2021-02-08. Review status: criteria provided, single submitter. Criteria: GeneDx Variant Classification Process June 2021. Collection method: clinical testing. Allele origin: germline. Affected: yes.
Comment: Not observed in large population cohorts (Lek et al., 2016); Frameshift variant predicted to result in protein truncation or nonsense mediated decay in a gene for which loss-of-function is not a known mechanism of disease; Has not been previously published as pathogenic or benign to our knowledge

NM_004977.3(KCNC3):c.228_249del (p.Met77fs)

Gene: KCNC3 (potassium voltage-gated channel subfamily C member 3; minus strand). Cytogenetic location: 19q13.33.
Variant type: Deletion.
Coding change: c.228_249del on transcript NM_004977.3 (MANE Select); coding-DNA positions 228 to 249, 22 bases deleted (CATGGGGCGGCACGGCGGCGGC).
Protein change: p.Met77fs; shifts the reading frame from methionine 77.
Molecular consequence: frameshift variant. On other transcripts: initiator codon variant (1).
Genome position (GRCh38, 1-based): chr19:50,328,834-50,328,855, GCCGCCGCCGTGCCGCCCCATG deleted on the plus strand (CATGGGGCGGCACGGCGGCGGC on the coding strand, the reverse complement: KCNC3 is on the minus strand); deleting any 22 consecutive bases within chr19:50,328,834-50,328,865 gives the same sequence; the c. name uses the placement nearest the transcript's 3' end. VCF-style (leftmost placement, unchanged base first): chr19-50328833-CGCCGCCGCCGTGCCGCCCCATG-C. GRCh37 (hg19) VCF-style: chr19-50832090-CGCCGCCGCCGTGCCGCCCCATG-C.
Other names: c.-1_21del, p.Met1fs (NM_001372305.1); short protein forms M1fs, M77fs.
Identifiers: ClinVar variation 1312636 (VCV001312636.3), dbSNP rs2123547025, ClinGen allele CA2573054817.
Genomic context (GRCh38, chr19:50,328,833, plus strand): 5'-AGCGGTACGTCTCATGGCGCACGCCGCCCACGTTGATCACGATCTTGCCGCTGTCGCCAC[CGCCGCCGCCGTGCCGCCCCATG>C]GCCGCCGCCGGCAGCCCGGGGCATGGCTCGGCGCGCCGGTCCCCGGGCCCGCGGGGTGCC-3'